The following is an entry in ClinVar:

ClinVar aggregate classification (germline): Uncertain significance. Review status: criteria provided, multiple submitters, no conflicts (2 of 4 stars). 3 submissions from 3 submitters: Uncertain significance (3). Last evaluated 2026-05-11.

Conditions:
Ullrich congenital muscular dystrophy 2 (UCMD2). Identifiers: Orphanet 75840, MedGen C4225314, MONDO:0014654, OMIM 616470.
Bethlem myopathy 2 (BTHLM2). Identifiers: Orphanet 536516, Orphanet 610, MedGen C4225313, MONDO:0034022, OMIM 616471.
Inborn genetic diseases. Identifiers: MedGen C0950123, MeSH D030342.

Allele frequency attached by ClinVar (database versions not stated): ExAC 0.00002; TOPMed 0.00002; gnomAD exomes 0.00005 and 0.00002.
gnomAD v4.1: 69 of 1,613,710 alleles (0.0043%); highest among the groups gnomAD compares: Non-Finnish European, 0.0058%; no homozygotes.

Submissions (3):

Women's Health and Genetics/Laboratory Corporation of America, LabCorp
Classification: Uncertain significance. Last evaluated: 2026-05-11. Review status: criteria provided, single submitter. Criteria: LabCorp Variant Classification Summary - May 2015. Collection method: clinical testing. Allele origin: germline.
Comment: Variant summary: COL12A1 c.8695G>A (p.Ala2899Thr) results in a non-conservative amino acid change in the encoded protein sequence. Algorithms developed to predict the effect of missense changes on protein structure and function all suggest that this variant is likely to be disruptive. The variant allele was found at a frequency of 1.6e-05 in 249226 control chromosomes. The available data on variant occurrences in the general population are insufficient to allow any conclusion about variant significance. These data do not allow any conclusion about variant significance. To our knowledge, no experimental evidence demonstrating an impact on protein function has been reported. ClinVar contains an entry for this variant (Variation ID: 961550). Based on the evidence outlined above, the variant was classified as uncertain significance.

Ambry Genetics
Classification: Uncertain significance for Inborn genetic diseases. Last evaluated: 2025-12-24. Review status: criteria provided, single submitter. Criteria: Ambry Variant Classification Scheme 2023. Collection method: clinical testing. Allele origin: germline.

Labcorp Genetics (formerly Invitae), Labcorp
Classification: Uncertain significance for Bethlem myopathy 2; Ullrich congenital muscular dystrophy 2. Last evaluated: 2025-06-09. Review status: criteria provided, single submitter. Criteria: Invitae Variant Classification Sherloc (09022015). Collection method: clinical testing. Allele origin: germline.
Comment: This sequence change replaces alanine, which is neutral and non-polar, with threonine, which is neutral and polar, at codon 2899 of the COL12A1 protein (p.Ala2899Thr). This variant is present in population databases (rs780457606, gnomAD 0.003%). This missense change has been observed in individual(s) with clinical features of COL12A1-related conditions (internal data). ClinVar contains an entry for this variant (Variation ID: 961550). An algorithm developed to predict the effect of missense changes on protein structure and function (PolyPhen-2) suggests that this variant is likely to be disruptive. In summary, the available evidence is currently insufficient to determine the role of this variant in disease. Therefore, it has been classified as a Variant of Uncertain Significance.

NM_004370.6(COL12A1):c.8695G>A (p.Ala2899Thr)

Gene: COL12A1 (collagen type XII alpha 1 chain; minus strand). Cytogenetic location: 6q13.
Variant type: single nucleotide variant.
Coding change: c.8695G>A on transcript NM_004370.6 (MANE Select); coding-DNA position 8695, G replaced by A.
Protein change: p.Ala2899Thr; replaces alanine 2899 with threonine.
Molecular consequence: missense variant.
Genome position (GRCh38, 1-based): chr6:75,091,380, C>T on the plus strand (G>A on the coding strand, the complement: COL12A1 is on the minus strand). VCF-style: chr6-75091380-C-T. GRCh37 (hg19) VCF-style: chr6-75801096-C-T.
Other names: c.5203G>A, p.Ala1735Thr (NM_080645.3); short protein forms A1735T, A2899T.
Identifiers: ClinVar variation 961550 (VCV000961550.10), dbSNP rs780457606, ClinGen allele CA3892142.